The following is an entry in ClinVar:

ClinVar aggregate classification (germline): Uncertain significance (1 of 4 stars; one submission).

Conditions:
Inborn genetic diseases. Identifiers: MedGen C0950123, MeSH D030342.

Submission:

Ambry Genetics
Classification: Uncertain significance for Inborn genetic diseases. Last evaluated: 2024-03-09. Review status: criteria provided, single submitter. Criteria: Ambry Variant Classification Scheme 2023. Collection method: clinical testing. Allele origin: germline.
Comment: The p.S1951Y variant (also known as c.5852C>A), located in coding exon 40 of the LRRK2 gene, results from a C to A substitution at nucleotide position 5852. The serine at codon 1951 is replaced by tyrosine, an amino acid with dissimilar properties. This amino acid position is conserved. In addition, the in silico prediction for this alteration is inconclusive. Based on the available evidence, the clinical significance of this alteration remains unclear.

NM_198578.4(LRRK2):c.5852C>A (p.Ser1951Tyr)

Gene: LRRK2 (leucine rich repeat kinase 2; plus strand). Cytogenetic location: 12q12.
Variant type: single nucleotide variant.
Coding change: c.5852C>A on transcript NM_198578.4 (MANE Select); coding-DNA position 5852, C replaced by A.
Protein change: p.Ser1951Tyr; replaces serine 1951 with tyrosine.
Molecular consequence: missense variant.
Genome position (GRCh38, 1-based): chr12:40,335,061, C>A. VCF-style: chr12-40335061-C-A. GRCh37 (hg19) VCF-style: chr12-40728863-C-A.
Other names: short protein forms S1951Y.
Identifiers: ClinVar variation 3229713 (VCV003229713.1), dbSNP rs2499930525, ClinGen allele CA384402157.